The following is an entry in ClinVar:

ClinVar aggregate classification (germline): Uncertain significance (1 of 4 stars; one submission).

Allele frequency attached by ClinVar (database versions not stated): gnomAD exomes below 0.00001; ExAC 0.00001.
gnomAD v4.1: 2 of 1,209,099 alleles (0.00017%); highest among the groups gnomAD compares: Non-Finnish European, 0.00011%; no homozygotes.

Submission:

GeneDx
Classification: Uncertain significance. Last evaluated: 2022-07-05. Review status: criteria provided, single submitter. Criteria: GeneDx Variant Classification Process June 2021. Collection method: clinical testing. Allele origin: germline. Affected: yes.
Comment: In silico analysis supports that this missense variant has a deleterious effect on protein structure/function; Has not been previously published as pathogenic or benign to our knowledge

NM_031407.7(HUWE1):c.11696C>T (p.Pro3899Leu)

Gene: HUWE1 (HECT, UBA and WWE domain containing E3 ubiquitin protein ligase 1; minus strand). Cytogenetic location: Xp11.22.
Variant type: single nucleotide variant.
Coding change: c.11696C>T on transcript NM_031407.7 (MANE Select); coding-DNA position 11696, C replaced by T.
Protein change: p.Pro3899Leu; replaces proline 3899 with leucine.
Molecular consequence: missense variant.
Genome position (GRCh38, 1-based): chrX:53,539,017, G>A on the plus strand (C>T on the coding strand, the complement: HUWE1 is on the minus strand). VCF-style: chrX-53539017-G-A. GRCh37 (hg19) VCF-style: chrX-53565978-G-A.
Other names: short protein forms P3899L.
Identifiers: ClinVar variation 1810508 (VCV001810508.1), dbSNP rs782278011, ClinGen allele CA10421335.
Genomic context (GRCh38, chrX:53,539,017, plus strand): 5'-GAGAGTGGAGGAGGCTCGTCCTTGATGTGTGCCAGCTGGCTCTCACGGGTGTCTCGGACA[G>A]GAGGCTTGCTCTCCCGCTCTGTGGCATGGACCAGAAAGAAGGCCTCGACAGCAGGCTGTA-3'
Protein context (NP_113584.3, residues 3889-3909): VHATERESKP[Pro3899Leu]VRDTRESQLA